The following is an entry in ClinVar:

NM_000093.5(COL5A1):c.790A>C (p.Thr264Pro)

Gene: COL5A1 (collagen type V alpha 1 chain; plus strand). Cytogenetic location: 9q34.3.
Variant type: single nucleotide variant.
Coding change: c.790A>C on transcript NM_000093.5 (MANE Select); coding-DNA position 790, A replaced by C.
Protein change: p.Thr264Pro; replaces threonine 264 with proline.
Molecular consequence: missense variant.
Genome position (GRCh38, 1-based): chr9:134,728,673, A>C. VCF-style: chr9-134728673-A-C. GRCh37 (hg19) VCF-style: chr9-137620519-A-C.
Other names: p.T264P:ACG>CCG; c.790A>C, p.Thr264Pro (NM_001278074.1); short protein forms T264P.
Identifiers: ClinVar variation 212920 (VCV000212920.19), dbSNP rs863223440, ClinGen allele CA324935.

ClinVar aggregate classification (germline): Conflicting classifications of pathogenicity. Review status: criteria provided, conflicting classifications (1 of 4 stars). 4 submissions from 4 submitters: Uncertain significance (2); Benign (1); Likely benign (1). Last evaluated 2026-09-13.

Conditions:
Ehlers-Danlos syndrome, classic type, 1 (EDSCL1). Also called: EDS I; Ehlers-Danlos Syndrome, Classic Type, COL5A1-Related; EHLERS-DANLOS SYNDROME, GRAVIS TYPE; EHLERS-DANLOS SYNDROME, SEVERE CLASSIC TYPE; Ehlers-Danlos syndrome, type 1. Identifiers: MedGen C0268335, MONDO:0019567, OMIM 130000.
Familial thoracic aortic aneurysm and aortic dissection (TAAD). Also called: Thoracic aortic aneurysms and dissections. Identifiers: Orphanet 91387, MedGen C4707243, MONDO:0019625.

Allele frequency attached by ClinVar (database versions not stated): gnomAD 0.00001; gnomAD exomes 0.00001 and below 0.00001; TOPMed 0.00003.
gnomAD v4.1: 24 of 1,613,912 alleles (0.0015%); highest among the groups gnomAD compares: Non-Finnish European, 0.0017%; no homozygotes.

Submissions (4):

Ambry Genetics
Classification: Likely benign for Familial thoracic aortic aneurysm and aortic dissection. Last evaluated: 2026-09-13. Review status: criteria provided, single submitter. Criteria: Ambry Variant Classification Scheme 2023. Collection method: clinical testing. Allele origin: germline.

Labcorp Genetics (formerly Invitae), Labcorp
Classification: Benign for Ehlers-Danlos syndrome, classic type, 1. Last evaluated: 2024-02-17. Review status: criteria provided, single submitter. Criteria: Invitae Variant Classification Sherloc (09022015). Collection method: clinical testing. Allele origin: germline.

GeneDx
Classification: Uncertain significance. Last evaluated: 2021-01-08. Review status: criteria provided, single submitter. Criteria: GeneDx Variant Classification Process June 2021. Collection method: clinical testing. Allele origin: germline. Affected: yes.
Comment: Has not been previously published as pathogenic or benign to our knowledge; Not observed at a significant frequency in large population cohorts (Lek et al., 2016); In silico analysis supports that this missense variant does not alter protein structure/function; Not located in the triple helical region, where the majority of pathogenic missense variants occur (Symoens et al., 2012; Stenson et al., 2014); Reported in ClinVar (ClinVar Variant ID# 212920; Landrum et al., 2016)

Mayo Clinic Laboratories, Mayo Clinic
Classification: Uncertain significance. Last evaluated: 2020-01-15. Review status: criteria provided, single submitter. Criteria: ACMG Guidelines, 2015. Collection method: clinical testing. Allele origin: germline. Observed: 1 variant allele.